The following is an entry in ClinVar:

ClinVar aggregate classification (germline): Uncertain significance (1 of 4 stars; one submission).

Submission:

Women's Health and Genetics/Laboratory Corporation of America, LabCorp
Classification: Uncertain significance. Last evaluated: 2025-11-19. Review status: criteria provided, single submitter. Criteria: LabCorp Variant Classification Summary - May 2015. Collection method: clinical testing. Allele origin: germline.
Comment: Variant summary: The variant involves the duplication of exons 1-2 in the ANOS1 gene. A presumed nomenclature of c.(?_-102)_(255+1_256-1)dup has been designated for the purposes of this classification. The exact breakpoint at the 5' end of this variant is unknown, therefore this duplication may extend upstream of the annotated region of this gene. It is predicted to duplicate a segment including the initiation codon, therefore its impact on the encoded protein is unknown. The variant was absent in 15814 control chromosomes (gnomAD SV database). The available data on variant occurrences in the general population are insufficient to allow any conclusion about variant significance. These data do not allow any conclusion about variant significance. Overexpression of the KAL1 transcript was reported in the patient's cells by Q-PCR (Sowinska-Seidler_2015). The following publication has been ascertained in the context of this evaluation (PMID: 25339597). ClinVar contains an entry for this variant (Variation ID: 3244161). Based on the evidence outlined above, the variant was classified as uncertain significance.

Literature cited by the submitters: PubMed 25339597.

NC_000023.10:g.(8591712_8667738)_(8700179_?)dup

Gene: ANOS1 (anosmin 1; minus strand). Cytogenetic location: Xp22.31.
Variant type: Duplication.
Identifiers: ClinVar variation 4537321 (VCV004537321.1).